The following is an entry in ClinVar:

ClinVar aggregate classification (germline): Uncertain significance. Review status: criteria provided, multiple submitters, no conflicts (2 of 4 stars). 5 submissions from 5 submitters: Uncertain significance (5). Last evaluated 2024-12-04.

Conditions:
Inborn genetic diseases. Identifiers: MedGen C0950123, MeSH D030342.
Cranioectodermal dysplasia 1 (CED1). Also called: LEVIN SYNDROME I. Identifiers: Orphanet 1515, MedGen C0432235, MONDO:0021093, OMIM 218330.

Allele frequency attached by ClinVar (database versions not stated): ExAC 0.00003; gnomAD exomes 0.00006; TOPMed 0.00007.
gnomAD v4.1: 129 of 1,614,072 alleles (0.008%); highest among the groups gnomAD compares: Non-Finnish European, 0.0092%; no homozygotes.

Submissions (5):

Ambry Genetics
Classification: Uncertain significance for Inborn genetic diseases. Last evaluated: 2024-12-04. Review status: criteria provided, single submitter. Criteria: Ambry Variant Classification Scheme 2023. Collection method: clinical testing. Allele origin: germline.

Fulgent Genetics
Classification: Uncertain significance for Cranioectodermal dysplasia 1. Last evaluated: 2024-04-17. Review status: criteria provided, single submitter. Criteria: ACMG Guidelines, 2015. Collection method: clinical testing. Allele origin: germline.

Labcorp Genetics (formerly Invitae), Labcorp
Classification: Uncertain significance for Cranioectodermal dysplasia 1. Last evaluated: 2022-05-24. Review status: criteria provided, single submitter. Criteria: Invitae Variant Classification Sherloc (09022015). Collection method: clinical testing. Allele origin: germline.
Comment: This sequence change replaces arginine, which is basic and polar, with histidine, which is basic and polar, at codon 698 of the IFT122 protein (p.Arg698His). This variant is present in population databases (rs750301228, gnomAD 0.006%). This variant has not been reported in the literature in individuals affected with IFT122-related conditions. ClinVar contains an entry for this variant (Variation ID: 902830). Algorithms developed to predict the effect of missense changes on protein structure and function output the following: SIFT: "Tolerated"; PolyPhen-2: "Benign"; Align-GVGD: "Class C0". The histidine amino acid residue is found in multiple mammalian species, which suggests that this missense change does not adversely affect protein function. In summary, the available evidence is currently insufficient to determine the role of this variant in disease. Therefore, it has been classified as a Variant of Uncertain Significance.

GeneDx
Classification: Uncertain significance. Last evaluated: 2022-01-31. Review status: criteria provided, single submitter. Criteria: GeneDx Variant Classification Process June 2021. Collection method: clinical testing. Allele origin: germline. Affected: yes.
Comment: In silico analysis supports that this missense variant has a deleterious effect on protein structure/function; Has not been previously published as pathogenic or benign to our knowledge

Illumina Laboratory Services, Illumina
Classification: Uncertain significance for Cranioectodermal dysplasia 1. Last evaluated: 2018-01-13. Review status: criteria provided, single submitter. Criteria: ICSL Variant Classification Criteria 13 December 2019. Collection method: clinical testing. Allele origin: germline.

NM_052989.3(IFT122):c.1940G>A (p.Arg647His)

Gene: IFT122 (intraflagellar transport 122; plus strand). Cytogenetic location: 3q21.3.
Variant type: single nucleotide variant.
Coding change: c.1940G>A on transcript NM_052989.3 (MANE Select); coding-DNA position 1940, G replaced by A.
Protein change: p.Arg647His; replaces arginine 647 with histidine.
Molecular consequence: missense variant.
Genome position (GRCh38, 1-based): chr3:129,488,345, G>A. VCF-style: chr3-129488345-G-A. GRCh37 (hg19) VCF-style: chr3-129207188-G-A.
Other names: c.1607G>A, p.Arg536His (NM_052990.3); c.2093G>A (NM_052985.2); c.1916G>A, p.Arg639His (NM_001280541.2); c.1490G>A, p.Arg497His (NM_001280545.2); c.1313G>A, p.Arg438His (NM_001280546.2); c.1763G>A, p.Arg588His (NM_018262.4); c.2093G>A, p.Arg698His (NM_052985.4); short protein forms R647H, R639H, R497H, R588H, R698H, R438H, R536H.
Identifiers: ClinVar variation 902830 (VCV000902830.9), dbSNP rs750301228, ClinGen allele CA2606354.
Genomic context (GRCh38, chr3:129,488,345, plus strand): 5'-GGAAACTGTTCAAGGAAGCCTACCAGATTGCTTGCTTGGGTGTCACAGACACTGATTGGC[G>A]TGAACTGGCCATGGAAGCGCTAGAAGGTTTAGATTTTGAAACAGCAAAGAAGGTAAGCAT-3'
Protein context (NP_443715.1, residues 637-657): ACLGVTDTDW[Arg647His]ELAMEALEGL